The following is an entry in ClinVar:

ClinVar aggregate classification (germline): Conflicting classifications of pathogenicity. Review status: criteria provided, conflicting classifications (1 of 4 stars). 6 submissions from 6 submitters: Likely pathogenic (5); Uncertain significance (1). Last evaluated 2026-07-15.

Conditions:
Progressive sclerosing poliodystrophy (MTDPS4A). Also called: Mitochondrial DNA Depletion Syndrome 4A; ALPERS PROGRESSIVE INFANTILE POLIODYSTROPHY; Alpers Syndrome; NEURONAL DEGENERATION OF CHILDHOOD WITH LIVER DISEASE, PROGRESSIVE; Alpers-Huttenlocher Syndrome (AHS); ALPERS DIFFUSE DEGENERATION OF CEREBRAL GRAY MATTER WITH HEPATIC CIRRHOSIS. Identifiers: Orphanet 726, MedGen C0205710, MONDO:0008758, OMIM 203700.
Autosomal recessive POLG-related disorders.
POLG-related disorder. Also called: POLG-Related Spectrum Disorders; POLG-related condition; POLG-Related Disorders. Identifiers: MedGen C4763519.

Allele frequency attached by ClinVar (database versions not stated): gnomAD exomes below 0.00001; TOPMed below 0.00001.
gnomAD v4.1: 5 of 1,613,918 alleles (0.00031%); highest among the groups gnomAD compares: African/African-American, 0.004%; no homozygotes.

Submissions (6):

Myriad Genetics, Inc.
Classification: Uncertain significance for POLG-related disorder. Last evaluated: 2026-07-15. Review status: criteria provided, single submitter. Criteria: Myriad Autosomal Dominant, Autosomal Recessive and X-Linked Classification Criteria (2023). Collection method: clinical testing. Allele origin: unknown.
Comment: NM_002693.2(POLG):c.2858G>A(R953H) is a missense variant classified as a variant of uncertain significance in the context of POLG-related disorders. R953H has been observed in a case with relevant disease (PMID: 25118206). Relevant functional assessments of this variant are not available in the literature. R953H has not been observed in referenced population frequency databases. In summary, there is insufficient evidence to classify NM_002693.2(POLG):c.2858G>A(R953H) as pathogenic or benign. Please note: this variant was assessed in the context of healthy population screening.

Variantyx, Inc.
Classification: Likely pathogenic for Autosomal recessive POLG-related disorders. Last evaluated: 2025-12-31. Review status: criteria provided, single submitter. Criteria: Variantyx Assertion Criteria 2022. Collection method: clinical testing. Allele origin: germline. Inheritance: Autosomal recessive inheritance. Affected: no.
Comment: This is a nonsynonymous variant in the POLG gene (OMIM: 174763). Pathogenic variants in this gene have been associated with autosomal recessive POLG-related disorders. This variant has been identified in the homozygous or compound heterozygous state in at least 2 individuals reported in the published literature (PMID: 34690748, 25118206) (PM3). Multiple computational algorithms predict a deleterious effect for this variant (REVEL score: 0.957) (PP3), and an alternate amino acid change at this position (p.Arg953Cys) has been previously reported in similarly affected individuals, which suggests that this residue is biologically important (PMID: 21880868, 22334187, 33046616) (PM5). This variant has a 0.0040% maximum allele frequency in non-founder control populations (PM2_Moderate). Based on the current evidence, this variant is classified as likely pathogenic for autosomal recessive POLG-related disorders.

Labcorp Genetics (formerly Invitae), Labcorp
Classification: Likely pathogenic for Progressive sclerosing poliodystrophy. Last evaluated: 2025-01-06. Review status: criteria provided, single submitter. Criteria: Invitae Variant Classification Sherloc (09022015). Collection method: clinical testing. Allele origin: germline.
Comment: This sequence change replaces arginine, which is basic and polar, with histidine, which is basic and polar, at codon 953 of the POLG protein (p.Arg953His). This variant is not present in population databases (gnomAD no frequency). This missense change has been observed in individual(s) with clinical features of autosomal recessive POLG-related conditions (PMID: 25118206). ClinVar contains an entry for this variant (Variation ID: 619427). Invitae Evidence Modeling of protein sequence and biophysical properties (such as structural, functional, and spatial information, amino acid conservation, physicochemical variation, residue mobility, and thermodynamic stability) indicates that this missense variant is expected to disrupt POLG protein function with a positive predictive value of 95%. This variant disrupts the p.Arg953 amino acid residue in POLG. Other variant(s) that disrupt this residue have been determined to be pathogenic (PMID: 20185557, 21880868, 22334187). This suggests that this residue is clinically significant, and that variants that disrupt this residue are likely to be disease-causing. In summary, the currently available evidence indicates that the variant is pathogenic, but additional data are needed to prove that conclusively. Therefore, this variant has been classified as Likely Pathogenic.

GeneDx
Classification: Likely pathogenic. Last evaluated: 2024-07-25. Review status: criteria provided, single submitter. Criteria: GeneDx Variant Classification Process June 2021. Collection method: clinical testing. Allele origin: germline. Affected: yes.
Comment: In silico analysis supports that this missense variant has a deleterious effect on protein structure/function; Not observed at significant frequency in large population cohorts (gnomAD); This variant is associated with the following publications: (PMID: 25118206)

Baylor Genetics
Classification: Likely pathogenic for Progressive sclerosing poliodystrophy. Last evaluated: 2024-02-29. Review status: criteria provided, single submitter. Criteria: ACMG Guidelines, 2015. Collection method: clinical testing. Allele origin: unknown.

Wong Mito Lab, Molecular and Human Genetics, Baylor College of Medicine
Classification: Likely pathogenic for Progressive sclerosing poliodystrophy. Last evaluated: 2018-10-01. Review status: criteria provided, single submitter. Criteria: ACMG Guidelines, 2015. Collection method: clinical testing. Allele origin: germline.
Comment: The NM_002693.2:c.2858G>A (NP_002684.1:p.Arg953His) [GRCH38: NC_000015.10:g.89320889C>T] variant in POLG gene is interpretated to be a Likely Pathogenic based on ACMG guidelines (PMID: 25741868). This variant meets the following evidence codes reported in the ACMG-guideline. PM1:This variant is in mutational hot spot or a well-studied functional domain without benign variation. PM2:This variant is absent in key population databases. PM3:Detected in trans with a pathogenic variant for Mitochondrial DNA depletion syndrome 4A (Alpers type) which is a recessive disorder. PP1:This variant is co-segregated with Mitochondrial DNA depletion syndrome 4A (Alpers type) in multiple affected family members. PP2:This is a missense variant in POLG with a low rate of benign and high rate of pathogenic missense variations. PP3:Computational evidence/predictors indicate the variant has deleterious effect on POLG structure, function, or protein-protein interaction. PP4:Patient's phenotype or family history is highly specific for POLG. Based on the evidence criteria codes applied, the variant is suggested to be Likely Pathogenic.

Literature cited by the submitters: PubMed 25118206 (cited by 3 submitters); PubMed 21880868 (cited by Variantyx, Inc. and Labcorp Genetics (formerly Invitae), Labcorp); PubMed 22334187 (cited by Variantyx, Inc. and Labcorp Genetics (formerly Invitae), Labcorp); PubMed 33046616 (cited by Variantyx, Inc.); PubMed 34690748 (cited by Variantyx, Inc.); PubMed 20185557 (cited by Labcorp Genetics (formerly Invitae), Labcorp).

NM_002693.3(POLG):c.2858G>A (p.Arg953His)

Gene: POLG (DNA polymerase gamma, catalytic subunit; minus strand). Cytogenetic location: 15q26.1.
Variant type: single nucleotide variant.
Coding change: c.2858G>A on transcript NM_002693.3 (MANE Select); coding-DNA position 2858, G replaced by A.
Protein change: p.Arg953His; replaces arginine 953 with histidine.
Molecular consequence: missense variant.
Genome position (GRCh38, 1-based): chr15:89,320,889, C>T on the plus strand (G>A on the coding strand, the complement: POLG is on the minus strand). VCF-style: chr15-89320889-C-T. GRCh37 (hg19) VCF-style: chr15-89864120-C-T.
Other names: c.2858G>A, p.Arg953His (NM_001126131.2); short protein forms R953H.
Identifiers: ClinVar variation 619427 (VCV000619427.12), dbSNP rs1567186581, ClinGen allele CA10602247.